The following is an entry in ClinVar:

NM_000629.3(IFNAR1):c.28A>G (p.Thr10Ala)

Genes: IFNAR1 (interferon alpha and beta receptor subunit 1; plus strand), LOC119230225 (IFNAR1 promoter region; plus strand). Cytogenetic location: 21q22.11.
Variant type: single nucleotide variant.
Coding change: c.28A>G on transcript NM_000629.3 (MANE Select); coding-DNA position 28, A replaced by G.
Protein change: p.Thr10Ala; replaces threonine 10 with alanine.
Molecular consequence: missense variant. On other transcripts: 5 prime UTR variant (2), intron variant (1).
Genome position (GRCh38, 1-based): chr21:33,325,083, A>G. VCF-style: chr21-33325083-A-G. GRCh37 (hg19) VCF-style: chr21-34697388-A-G.
Other names: c.28A>G (NM_000629.2); c.28A>G, p.Thr10Ala (NM_001384498.1, NM_001384499.1, NM_001384501.1 and 1 more transcripts); c.-759A>G (NM_001384500.1); c.-356A>G (NM_001384502.1); c.-132+445A>G (NM_001384504.1); short protein forms T10A.
Identifiers: ClinVar variation 1410801 (VCV001410801.7), dbSNP rs751675124, ClinGen allele CA10006351.
Genomic context (GRCh38, chr21:33,325,083, plus strand): 5'-CATGTAACTGGTGGGATCTGCGGCGGCTCCCAGATGATGGTCGTCCTCCTGGGCGCGACG[A>G]CCCTAGTGCTCGTCGCCGTGGCGCCATGGGTGTTGTCCGCAGCCGCAGGTGAGAGGCGGG-3'
Protein context (NP_000620.2, residues 1-20): MMVVLLGAT[Thr10Ala]LVLVAVAPWV

ClinVar aggregate classification (germline): Conflicting classifications of pathogenicity. Review status: criteria provided, conflicting classifications (1 of 4 stars). 3 submissions from 3 submitters: Uncertain significance (2); Likely benign (1). Last evaluated 2024-12-18.

Conditions:
IFNAR1-related disorder. Also called: IFNAR1-related condition.

Allele frequency attached by ClinVar (database versions not stated): ExAC 0.00001; gnomAD exomes 0.00002; gnomAD 0.00004; TOPMed 0.00009.
gnomAD v4.1: 30 of 1,610,000 alleles (0.0019%); highest among the groups gnomAD compares: Admixed American, 0.0084%; no homozygotes.

Submissions (3):

PreventionGenetics, part of Exact Sciences
Classification: Uncertain significance for IFNAR1-related condition. Last evaluated: 2024-12-18. Review status: criteria provided, single submitter. Criteria: ACMG Guidelines, 2015. Collection method: clinical testing. Allele origin: germline.
Comment: The IFNAR1 c.28A>G variant is predicted to result in the amino acid substitution p.Thr10Ala. To our knowledge, this variant has not been reported in the literature. This variant is reported in 0.0048% of alleles in individuals of European (Non-Finnish) descent in gnomAD. At this time, the clinical significance of this variant is uncertain due to the absence of conclusive functional and genetic evidence.

Ambry Genetics
Classification: Likely benign. Last evaluated: 2024-02-13. Review status: criteria provided, single submitter. Criteria: Ambry Variant Classification Scheme 2023. Collection method: clinical testing. Allele origin: germline.

Labcorp Genetics (formerly Invitae), Labcorp
Classification: Uncertain significance. Last evaluated: 2022-08-19. Review status: criteria provided, single submitter. Criteria: Invitae Variant Classification Sherloc (09022015). Collection method: clinical testing. Allele origin: germline.
Comment: This sequence change replaces threonine, which is neutral and polar, with alanine, which is neutral and non-polar, at codon 10 of the IFNAR1 protein (p.Thr10Ala). This variant is present in population databases (rs751675124, gnomAD 0.005%). This variant has not been reported in the literature in individuals affected with IFNAR1-related conditions. ClinVar contains an entry for this variant (Variation ID: 1410801). Algorithms developed to predict the effect of missense changes on protein structure and function output the following: SIFT: "Tolerated"; PolyPhen-2: "Benign"; Align-GVGD: "Class C0". The alanine amino acid residue is found in multiple mammalian species, which suggests that this missense change does not adversely affect protein function. In summary, the available evidence is currently insufficient to determine the role of this variant in disease. Therefore, it has been classified as a Variant of Uncertain Significance.